The following is an entry in ClinVar:

ClinVar aggregate classification (germline): Uncertain significance. Review status: criteria provided, multiple submitters, no conflicts (2 of 4 stars). 3 submissions from 3 submitters: Uncertain significance (3). Last evaluated 2025-02-20.

Conditions:
ANKH-related disorder. Also called: ANKH-Related Disorders; ANKH-related condition.

Allele frequency attached by ClinVar (database versions not stated): gnomAD exomes 0.00001; ExAC 0.00001; TOPMed 0.00001.
gnomAD v4.1: 17 of 1,612,232 alleles (0.0011%); highest among the groups gnomAD compares: Admixed American, 0.0084%; no homozygotes.

Submissions (3):

Labcorp Genetics (formerly Invitae), Labcorp
Classification: Uncertain significance. Last evaluated: 2025-02-20. Review status: criteria provided, single submitter. Criteria: Invitae Variant Classification Sherloc (09022015). Collection method: clinical testing. Allele origin: germline.
Comment: This sequence change replaces alanine, which is neutral and non-polar, with threonine, which is neutral and polar, at codon 448 of the ANKH protein (p.Ala448Thr). This variant is present in population databases (rs753239268, gnomAD 0.01%). This variant has not been reported in the literature in individuals affected with ANKH-related conditions. ClinVar contains an entry for this variant (Variation ID: 2636286). An algorithm developed to predict the effect of missense changes on protein structure and function (PolyPhen-2) suggests that this variant is likely to be tolerated. In summary, the available evidence is currently insufficient to determine the role of this variant in disease. Therefore, it has been classified as a Variant of Uncertain Significance.

GeneDx
Classification: Uncertain significance. Last evaluated: 2025-02-11. Review status: criteria provided, single submitter. Criteria: GeneDx Variant Classification Process June 2021. Collection method: clinical testing. Allele origin: germline. Affected: yes.
Comment: In silico analysis indicates that this missense variant does not alter protein structure/function; Has not been previously published as pathogenic or benign to our knowledge

PreventionGenetics, part of Exact Sciences
Classification: Uncertain significance for ANKH-related condition. Last evaluated: 2022-11-17. Review status: criteria provided, single submitter. Criteria: ACMG Guidelines, 2015. Collection method: clinical testing. Allele origin: germline.
Comment: The ANKH c.1342G>A variant is predicted to result in the amino acid substitution p.Ala448Thr. To our knowledge, this variant has not been reported in the literature. This variant is reported in 0.012% of alleles in individuals of Latino descent in gnomAD. At this time, the clinical significance of this variant is uncertain due to the absence of conclusive functional and genetic evidence.

NM_054027.6(ANKH):c.1342G>A (p.Ala448Thr)

Genes: ANKH (ANKH inorganic pyrophosphate transport regulator; minus strand), OTULIN (OTU deubiquitinase with linear linkage specificity; plus strand), LOC100130744 (uncharacterized LOC100130744; plus strand). Cytogenetic location: 5p15.2.
Variant type: single nucleotide variant.
Coding change: c.1342G>A on transcript NM_054027.6 (MANE Select); coding-DNA position 1342, G replaced by A.
Protein change: p.Ala448Thr; replaces alanine 448 with threonine.
Molecular consequence: missense variant. On other transcripts: non-coding transcript variant (1).
Genome position (GRCh38, 1-based): chr5:14,712,897, C>T on the plus strand (G>A on the coding strand, the complement: ANKH is on the minus strand). VCF-style: chr5-14712897-C-T. GRCh37 (hg19) VCF-style: chr5-14713006-C-T.
Other names: short protein forms A448T.
Identifiers: ClinVar variation 2636286 (VCV002636286.5), dbSNP rs753239268, ClinGen allele CA3208836.
Genomic context (GRCh38, chr5:14,712,897, plus strand): 5'-TGCACCCGGGAGGAGGCTCCCGGCGCGGCTGTCTCACCTGCTTCCGGTAGACATAGCACG[C>T]AGCGATGGCGACCATGGTGGATTCTCCCACAAAGCCCGCCAGGAGGGAGCCCACGCCCAG-3'
Protein context (NP_473368.1, residues 438-458): VGESTMVAIA[Ala448Thr]CYVYRKQKKK